The following is an entry in ClinVar:

NM_000059.4(BRCA2):c.3049A>C (p.Ile1017Leu)

Gene: BRCA2 (BRCA2 DNA repair associated; plus strand). Cytogenetic location: 13q13.1.
Variant type: single nucleotide variant.
Coding change: c.3049A>C on transcript NM_000059.4 (MANE Select); coding-DNA position 3049, A replaced by C.
Protein change: p.Ile1017Leu; replaces isoleucine 1017 with leucine.
Molecular consequence: missense variant.
Genome position (GRCh38, 1-based): chr13:32,337,404, A>C. VCF-style: chr13-32337404-A-C. GRCh37 (hg19) VCF-style: chr13-32911541-A-C.
Other names: c.3049A>C (NM_000059.3); short protein forms I1017L.
Identifiers: ClinVar variation 1037166 (VCV001037166.11), dbSNP rs2072470931, ClinGen allele CA387775030.
Genomic context (GRCh38, chr13:32,337,404, plus strand): 5'-TTAGGTCCAATTTCAAATCACAGTTTTGGAGGTAGCTTCAGAACAGCTTCAAATAAGGAA[A>C]TCAAGCTCTCTGAACATAACATTAAGAAGAGCAAAATGTTCTTCAAAGATATTGAAGAAC-3'
Protein context (NP_000050.3, residues 1007-1027): GSFRTASNKE[Ile1017Leu]KLSEHNIKKS

ClinVar aggregate classification (germline): Conflicting classifications of pathogenicity. Review status: criteria provided, conflicting classifications (1 of 4 stars). 3 submissions from 3 submitters: Uncertain significance (2); Likely benign (1). Last evaluated 2024-05-17.

Conditions:
Hereditary cancer-predisposing syndrome. Also called: Neoplastic Syndromes, Hereditary; Hereditary Cancer Syndrome; Tumor predisposition; Hereditary neoplastic syndrome. Identifiers: Orphanet 140162, MedGen C0027672, MeSH D009386, MONDO:0015356.
Hereditary breast ovarian cancer syndrome. Also called: Hereditary breast and ovarian cancer syndrome; Hereditary breast and ovarian cancer syndrome (HBOC); BRCA1- and BRCA2-Associated Hereditary Breast and Ovarian Cancer; Hereditary breast and ovarian cancer; Hereditary breast and/or ovarian cancer syndrome; Breast and ovarian cancer. Identifiers: Orphanet 145, MedGen C0677776, MeSH D061325, MONDO:0003582. Disease mechanism: loss of function.

Submissions (3):

Ambry Genetics
Classification: Uncertain significance for Hereditary cancer-predisposing syndrome. Last evaluated: 2024-05-17. Review status: criteria provided, single submitter. Criteria: Ambry Variant Classification Scheme 2023. Collection method: clinical testing. Allele origin: germline.
Comment: The p.I1017L variant (also known as c.3049A>C), located in coding exon 10 of the BRCA2 gene, results from an A to C substitution at nucleotide position 3049. The isoleucine at codon 1017 is replaced by leucine, an amino acid with highly similar properties. This variant was reported amongst 1666 individuals undergoing genetic testing based on a personal and/or family history of breast and/or ovarian cancer (Chapman-Davis E et al. J Gen Intern Med, 2021 Jan;36:35-42). This amino acid position is highly conserved in available vertebrate species. In addition, the in silico prediction for this alteration is inconclusive. Based on the available evidence, the clinical significance of this variant remains unclear.

University of Washington Department of Laboratory Medicine, University of Washington
Classification: Likely benign for Hereditary cancer-predisposing syndrome. Last evaluated: 2023-03-23. Review status: criteria provided, single submitter. Criteria: Dines et al. (Genet Med. 2020). Collection method: curation. Allele origin: germline.
Comment: Missense variant in a coldspot region where missense variants are very unlikely to be pathogenic (PMID:31911673).

BRCA2 exon 11 coldspot. Reclassification based on statistical prior probability.

Labcorp Genetics (formerly Invitae), Labcorp
Classification: Uncertain significance for Hereditary breast ovarian cancer syndrome. Last evaluated: 2020-04-05. Review status: criteria provided, single submitter. Criteria: Invitae Variant Classification Sherloc (09022015). Collection method: clinical testing. Allele origin: germline.
Comment: In summary, the available evidence is currently insufficient to determine the role of this variant in disease. Therefore, it has been classified as a Variant of Uncertain Significance. Algorithms developed to predict the effect of missense changes on protein structure and function are either unavailable or do not agree on the potential impact of this missense change (SIFT: "Tolerated"; PolyPhen-2: "Probably Damaging"; Align-GVGD: "Class C0"). This variant has not been reported in the literature in individuals with BRCA2-related conditions. This variant is not present in population databases (ExAC no frequency). This sequence change replaces isoleucine with leucine at codon 1017 of the BRCA2 protein (p.Ile1017Leu). The isoleucine residue is highly conserved and there is a small physicochemical difference between isoleucine and leucine.

Literature cited by the submitters: PubMed 32720237 (cited by Ambry Genetics).